The following is an entry in ClinVar:

NM_173551.5(ANKS6):c.1184C>T (p.Thr395Met)

Gene: ANKS6 (ankyrin repeat and sterile alpha motif domain containing 6; minus strand). Cytogenetic location: 9q22.33.
Variant type: single nucleotide variant.
Coding change: c.1184C>T on transcript NM_173551.5 (MANE Select); coding-DNA position 1184, C replaced by T.
Protein change: p.Thr395Met; replaces threonine 395 with methionine.
Molecular consequence: missense variant.
Genome position (GRCh38, 1-based): chr9:98,782,502, G>A on the plus strand (C>T on the coding strand, the complement: ANKS6 is on the minus strand). VCF-style: chr9-98782502-G-A. GRCh37 (hg19) VCF-style: chr9-101544784-G-A.
Other names: short protein forms T395M.
Identifiers: ClinVar variation 2659348 (VCV002659348.24), dbSNP rs747325459, ClinGen allele CA5153599.

ClinVar aggregate classification (germline): Uncertain significance (1 of 4 stars; one submission).

Allele frequency attached by ClinVar (database versions not stated): ExAC 0.00002; gnomAD exomes 0.00002; TOPMed 0.00004.
gnomAD v4.1: 32 of 1,614,148 alleles (0.002%); highest among the groups gnomAD compares: East Asian, 0.025%; no homozygotes.

Submission:

CeGaT Center for Human Genetics Tuebingen
Classification: Uncertain significance. Last evaluated: 2023-04-01. Review status: criteria provided, single submitter. Criteria: CeGaT Center For Human Genetics Tuebingen Variant Classification Criteria Version 2. Collection method: clinical testing. Allele origin: germline. Affected: yes. Observed: 1 variant allele.
Comment: ANKS6: PM2, PP3